The following is an entry in ClinVar:

NM_001042492.3(NF1):c.7942G>C (p.Val2648Leu)

Gene: NF1 (neurofibromin 1; plus strand). Cytogenetic location: 17q11.2.
Variant type: single nucleotide variant.
Coding change: c.7942G>C on transcript NM_001042492.3 (MANE Select); coding-DNA position 7942, G replaced by C.
Protein change: p.Val2648Leu; replaces valine 2648 with leucine.
Molecular consequence: missense variant.
Genome position (GRCh38, 1-based): chr17:31,357,341, G>C. VCF-style: chr17-31357341-G-C. GRCh37 (hg19) VCF-style: chr17-29684359-G-C.
Other names: c.7879G>C, p.Val2627Leu (NM_000267.4); short protein forms V2627L, V2648L.
Identifiers: ClinVar variation 3634607 (VCV003634607.2).
Genomic context (GRCh38, chr17:31,357,341, plus strand): 5'-AAATATACCACAGATGAGTTTGATCAACGAATTCTTTATGAATACTTAGCAGAGGCCAGT[G>C]TTGTGTTTCCCAAAGTCTTTCCTGTTGTGTAAGTATCTCCTTTTGATTTTAATTCACCTT-3'
Protein context (NP_001035957.1, residues 2638-2658): ILYEYLAEAS[Val2648Leu]VFPKVFPVVH

ClinVar aggregate classification (germline): Uncertain significance (1 of 4 stars; one submission).

Conditions:
Neurofibromatosis, type 1 (NF1). Also called: VON RECKLINGHAUSEN DISEASE; Peripheral type neurofibromatosis; NEUROFIBROMATOSIS, TYPE I, SOMATIC; Neurofibromatosis, type I. Identifiers: Orphanet 636, MedGen C0027831, MONDO:0018975, OMIM 162200. Disease mechanism: loss of function.

Submission:

Labcorp Genetics (formerly Invitae), Labcorp
Classification: Uncertain significance for Neurofibromatosis, type 1. Last evaluated: 2024-07-03. Review status: criteria provided, single submitter. Criteria: Invitae Variant Classification Sherloc (09022015). Collection method: clinical testing. Allele origin: germline.
Comment: This sequence change replaces valine, which is neutral and non-polar, with leucine, which is neutral and non-polar, at codon 2627 of the NF1 protein (p.Val2627Leu). This variant is not present in population databases (gnomAD no frequency). This variant has not been reported in the literature in individuals affected with NF1-related conditions. Advanced modeling of protein sequence and biophysical properties (such as structural, functional, and spatial information, amino acid conservation, physicochemical variation, residue mobility, and thermodynamic stability) has been performed at Invitae for this missense variant, however the output from this modeling did not meet the statistical confidence thresholds required to predict the impact of this variant on NF1 protein function. In summary, the available evidence is currently insufficient to determine the role of this variant in disease. Therefore, it has been classified as a Variant of Uncertain Significance.